The following is an entry in ClinVar:

ClinVar aggregate classification (germline): Likely benign (1 of 4 stars; one submission).

Allele frequency attached by ClinVar (database versions not stated): gnomAD exomes below 0.00001 and 0.00002; ExAC 0.00002; gnomAD 0.00006; TOPMed 0.00007; 1000 Genomes Project 30x 0.00021; 1000 Genomes Project 0.00026.
gnomAD v4.1: 11 of 1,210,338 alleles (0.00091%); highest among the groups gnomAD compares: African/African-American, 0.016%; no homozygotes.

Submission:

GeneDx
Classification: Likely benign. Last evaluated: 2017-06-22. Review status: criteria provided, single submitter. Criteria: GeneDx Variant Classification (06012015). Collection method: clinical testing. Allele origin: germline. Affected: yes.
Comment: This variant is considered likely benign or benign based on one or more of the following criteria: it is a conservative change, it occurs at a poorly conserved position in the protein, it is predicted to be benign by multiple in silico algorithms, and/or has population frequency not consistent with disease.

NM_014467.3(SRPX2):c.962-16C>T

Gene: SRPX2 (sushi repeat containing protein X-linked 2; plus strand). Cytogenetic location: Xq22.1.
Variant type: single nucleotide variant.
Coding change: c.962-16C>T on transcript NM_014467.3 (MANE Select); 16 bases into the intron before coding-DNA position 962, C replaced by T.
Molecular consequence: intron variant.
Genome position (GRCh38, 1-based): chrX:100,667,258, C>T. VCF-style: chrX-100667258-C-T. GRCh37 (hg19) VCF-style: chrX-99922255-C-T.
Identifiers: ClinVar variation 510450 (VCV000510450.1), dbSNP rs190642591, ClinGen allele CA10469613.